The following is an entry in ClinVar:

NM_173660.5(DOK7):c.596del (p.Ile199fs)

Gene: DOK7 (docking protein 7; plus strand). Cytogenetic location: 4p16.3.
Variant type: Deletion.
Coding change: c.596del on transcript NM_173660.5 (MANE Select); coding-DNA position 596, one base deleted (T; older notation c.596delT).
Protein change: p.Ile199fs; shifts the reading frame from isoleucine 199.
Molecular consequence: frameshift variant. On other transcripts: 5 prime UTR variant (1).
Genome position (GRCh38, 1-based): chr4:3,485,602, T deleted. VCF-style (leftmost placement, unchanged base first): chr4-3485601-AT-A. GRCh37 (hg19) VCF-style: chr4-3487328-AT-A.
Other names: c.585del, p.Arg196fs (NM_001164673.2); c.-335del (NM_001256896.2); c.596del, p.Ile199fs (NM_001301071.2); c.164del, p.Ile55fs (NM_001363811.2); short protein forms I199fs, I55fs, R196fs.
Identifiers: ClinVar variation 210856 (VCV000210856.12), dbSNP rs797045528, ClinGen allele CA277304.

ClinVar aggregate classification (germline): Pathogenic/Likely pathogenic. Review status: criteria provided, multiple submitters, no conflicts (2 of 4 stars). 4 submissions from 4 submitters: Pathogenic (3); Likely pathogenic (1). Last evaluated 2025-10-15.

Conditions:
Congenital myasthenic syndrome 10. Also called: Myasthenia, limb-girdle, familial. Identifiers: Orphanet 590, MedGen C1850792, MONDO:0009690, OMIM 254300.
Fetal akinesia deformation sequence 1 (FADS1). Also called: Pena-Shokeir syndrome type I; Fetal akinesia sequence. Identifiers: Orphanet 994, MedGen C1276035, MONDO:0100101, OMIM 208150, HP:0001989.
Fetal akinesia deformation sequence 3. Identifiers: MedGen C4760599, MONDO:0100103, OMIM 618389.

Allele frequency attached by ClinVar (database versions not stated): gnomAD exomes below 0.00001 and 0.00001.

Submissions (4):

Labcorp Genetics (formerly Invitae), Labcorp
Classification: Pathogenic for Congenital myasthenic syndrome 10; Fetal akinesia deformation sequence 1. Last evaluated: 2025-10-15. Review status: criteria provided, single submitter. Criteria: Invitae Variant Classification Sherloc (09022015). Collection method: clinical testing. Allele origin: germline.
Comment: This sequence change creates a premature translational stop signal (p.Ile199Thrfs*47) in the DOK7 gene. While this is not anticipated to result in nonsense mediated decay, it is expected to disrupt the last 306 amino acid(s) of the DOK7 protein. This variant is present in population databases (rs797045528, gnomAD 0.002%). This premature translational stop signal has been observed in individual(s) with congenital myasthenic syndrome (PMID: 18626973). In at least one individual the data is consistent with being in trans (on the opposite chromosome) from a pathogenic variant. ClinVar contains an entry for this variant (Variation ID: 210856). Studies have shown that this premature translational stop signal alters DOK7 gene expression (PMID: 18626973). This variant disrupts a region of the DOK7 protein in which other variant(s) (p.Asp433Argfs*18) have been determined to be pathogenic (PMID: 17439981, 22661499; internal data). This suggests that this is a clinically significant region of the protein, and that variants that disrupt it are likely to be disease-causing. For these reasons, this variant has been classified as Pathogenic.

Baylor Genetics
Classification: Pathogenic for Fetal akinesia deformation sequence 3. Last evaluated: 2024-03-13. Review status: criteria provided, single submitter. Criteria: ACMG Guidelines, 2015. Collection method: clinical testing. Allele origin: unknown.

GeneDx
Classification: Likely pathogenic. Last evaluated: 2023-01-17. Review status: criteria provided, single submitter. Criteria: GeneDx Variant Classification Process June 2021. Collection method: clinical testing. Allele origin: germline. Affected: yes.
Comment: Not observed at significant frequency in large population cohorts (gnomAD); Frameshift variant predicted to result in protein truncation, as the last 306 amino acids are replaced with 46 different amino acids, and other loss-of-function variants have been reported downstream in HGMD.; This variant is associated with the following publications: (PMID: 18626973)

Genetic Services Laboratory, University of Chicago
Classification: Pathogenic for Myasthenia, limb-girdle, familial. Last evaluated: 2015-06-02. Review status: criteria provided, single submitter. Criteria: ACMG Guidelines, 2015. Collection method: clinical testing. Allele origin: germline. Affected: yes.

Literature cited by the submitters: PubMed 18626973 (cited by Labcorp Genetics (formerly Invitae), Labcorp); PubMed 17439981 (cited by Labcorp Genetics (formerly Invitae), Labcorp); PubMed 22661499 (cited by Labcorp Genetics (formerly Invitae), Labcorp).